The following is an entry in ClinVar:

NM_000088.4(COL1A1):c.2881G>T (p.Val961Phe)

Gene: COL1A1 (collagen type I alpha 1 chain; minus strand). Cytogenetic location: 17q21.33.
Variant type: single nucleotide variant.
Coding change: c.2881G>T on transcript NM_000088.4 (MANE Select); coding-DNA position 2881, G replaced by T.
Protein change: p.Val961Phe; replaces valine 961 with phenylalanine.
Molecular consequence: missense variant.
Genome position (GRCh38, 1-based): chr17:50,189,224, C>A on the plus strand (G>T on the coding strand, the complement: COL1A1 is on the minus strand). VCF-style: chr17-50189224-C-A. GRCh37 (hg19) VCF-style: chr17-48266585-C-A.
Other names: short protein forms V961F.
Identifiers: ClinVar variation 4887384 (VCV004887384.1).

ClinVar aggregate classification (germline): Uncertain significance (1 of 4 stars; one submission).

Submission:

Women's Health and Genetics/Laboratory Corporation of America, LabCorp
Classification: Uncertain significance. Last evaluated: 2026-06-10. Review status: criteria provided, single submitter. Criteria: LabCorp Variant Classification Summary - May 2015. Collection method: clinical testing. Allele origin: germline.
Comment: Variant summary: COL1A1 c.2881G>T (p.Val961Phe) results in a non-conservative amino acid change in the encoded protein sequence. Algorithms developed to predict the effect of missense changes on protein structure and function all suggest that this variant is likely to be disruptive. The variant was absent in 250854 control chromosomes. The available data on variant occurrences in the general population are insufficient to allow any conclusion about variant significance. To our knowledge, no occurrence of c.2881G>T in individuals affected with COL1A1-related conditions and no experimental evidence demonstrating its impact on protein function have been reported. No submitters have cited clinical-significance assessments for this variant to ClinVar. Based on the evidence outlined above, the variant was classified as uncertain significance.